The following is an entry in ClinVar:

ClinVar aggregate classification (germline): Uncertain significance. Review status: criteria provided, multiple submitters, no conflicts (2 of 4 stars). 3 submissions from 3 submitters: Uncertain significance (2). 1 of the submissions does not count toward it. Last evaluated 2025-12-28.

Conditions:
Hereditary cancer-predisposing syndrome. Also called: Hereditary Cancer Syndrome; Hereditary neoplastic syndrome; Tumor predisposition; Neoplastic Syndromes, Hereditary. Identifiers: Orphanet 140162, MedGen C0027672, MeSH D009386, MONDO:0015356.
Bloom syndrome (BLM). Also called: Bloom-Torre-Machacek syndrome. Identifiers: Orphanet 125, MedGen C0005859, MONDO:0008876, OMIM 210900.

Allele frequency attached by ClinVar (database versions not stated): gnomAD 0.00001; gnomAD exomes 0.00001; TOPMed 0.00001.
gnomAD v4.1: 19 of 1,613,876 alleles (0.0012%); highest among the groups gnomAD compares: Non-Finnish European, 0.0016%; no homozygotes.

Submissions (3):

Labcorp Genetics (formerly Invitae), Labcorp
Classification: Uncertain significance for Bloom syndrome. Last evaluated: 2025-12-28. Review status: criteria provided, single submitter. Criteria: Invitae Variant Classification Sherloc (09022015). Collection method: clinical testing. Allele origin: germline.
Comment: This sequence change replaces leucine, which is neutral and non-polar, with valine, which is neutral and non-polar, at codon 1219 of the BLM protein (p.Leu1219Val). This variant is present in population databases (no rsID available, gnomAD 0.002%). This variant has not been reported in the literature in individuals affected with BLM-related conditions. ClinVar contains an entry for this variant (Variation ID: 841270). Invitae Evidence Modeling of protein sequence and biophysical properties (such as structural, functional, and spatial information, amino acid conservation, physicochemical variation, residue mobility, and thermodynamic stability) indicates that this missense variant is expected to disrupt BLM protein function with a positive predictive value of 80%. In summary, the available evidence is currently insufficient to determine the role of this variant in disease. Therefore, it has been classified as a Variant of Uncertain Significance.

Ambry Genetics
Classification: Uncertain significance for Hereditary cancer-predisposing syndrome. Last evaluated: 2024-11-08. Review status: criteria provided, single submitter. Criteria: Ambry Variant Classification Scheme 2023. Collection method: clinical testing. Allele origin: germline.
Comment: The p.L1219V variant (also known as c.3655C>G), located in coding exon 18 of the BLM gene, results from a C to G substitution at nucleotide position 3655. The leucine at codon 1219 is replaced by valine, an amino acid with highly similar properties. This amino acid position is highly conserved in available vertebrate species. In addition, this alteration is predicted to be tolerated by in silico analysis. Since supporting evidence is limited at this time, the clinical significance of this alteration remains unclear.

Natera, Inc.
Classification: Uncertain significance for Bloom syndrome. Last evaluated: 2018-05-11. Review status: no assertion criteria provided. Collection method: clinical testing. Allele origin: germline. Not counted in ClinVar's aggregate classification.

NM_000057.4(BLM):c.3655C>G (p.Leu1219Val)

Gene: BLM (BLM RecQ like helicase; plus strand). Cytogenetic location: 15q26.1.
Variant type: single nucleotide variant.
Coding change: c.3655C>G on transcript NM_000057.4 (MANE Select); coding-DNA position 3655, C replaced by G.
Protein change: p.Leu1219Val; replaces leucine 1219 with valine.
Molecular consequence: missense variant. On other transcripts: intron variant (1).
Genome position (GRCh38, 1-based): chr15:90,804,263, C>G. VCF-style: chr15-90804263-C-G. GRCh37 (hg19) VCF-style: chr15-91347493-C-G.
Other names: c.3655C>G (NM_000057.2); c.3655C>G, p.Leu1219Val (NM_001287246.2); c.2530C>G, p.Leu844Val (NM_001287248.2); c.3359-4874C>G (NM_001287247.2); short protein forms L844V, L1219V.
Identifiers: ClinVar variation 841270 (VCV000841270.13), dbSNP rs960821931, ClinGen allele CA274775268.